The following is an entry in ClinVar:

NM_001174147.2(LMX1B):c.568G>T (p.Glu190Ter)

Gene: LMX1B (LIM homeobox transcription factor 1 beta; plus strand). Cytogenetic location: 9q33.3.
Variant type: single nucleotide variant.
Coding change: c.568G>T on transcript NM_001174147.2 (MANE Select); coding-DNA position 568, G replaced by T.
Protein change: p.Glu190Ter; replaces glutamic acid 190 with a stop codon.
Molecular consequence: nonsense.
Genome position (GRCh38, 1-based): chr9:126,693,150, G>T. VCF-style: chr9-126693150-G-T. GRCh37 (hg19) VCF-style: chr9-129455429-G-T.
Other names: c.568G>T, p.Glu190Ter (NM_001174146.2, NM_002316.4); short protein forms E190*.
Identifiers: ClinVar variation 3656253 (VCV003656253.2).

ClinVar aggregate classification (germline): Pathogenic (1 of 4 stars; one submission).

Submission:

Labcorp Genetics (formerly Invitae), Labcorp
Classification: Pathogenic. Last evaluated: 2024-07-02. Review status: criteria provided, single submitter. Criteria: Invitae Variant Classification Sherloc (09022015). Collection method: clinical testing. Allele origin: germline.
Comment: This sequence change creates a premature translational stop signal (p.Glu190*) in the LMX1B gene. It is expected to result in an absent or disrupted protein product. Loss-of-function variants in LMX1B are known to be pathogenic (PMID: 9590287, 15498463). This variant is not present in population databases (gnomAD no frequency). This variant has not been reported in the literature in individuals affected with LMX1B-related conditions. For these reasons, this variant has been classified as Pathogenic.

Literature cited by the submitters: PubMed 9590287; PubMed 15498463.